The following is an entry in ClinVar:

ClinVar aggregate classification (germline): Benign. Review status: criteria provided, multiple submitters, no conflicts (2 of 4 stars). 4 submissions from 4 submitters: Benign (3). 1 of the submissions does not count toward it. Last evaluated 2021-06-09.

Conditions:
SHROOM3-related disorder. Also called: SHROOM3-related condition.

Allele frequency attached by ClinVar (database versions not stated): 1000 Genomes Project 30x 0.42973; 1000 Genomes Project 0.43231; TOPMed 0.52621; gnomAD 0.52974 and 0.53566; gnomAD exomes 0.53323 and 0.58588; ExAC 0.55962; ESP Exome Variant Server 0.64361.

Submissions (4):

GeneDx
Classification: Benign. Last evaluated: 2021-06-09. Review status: criteria provided, single submitter. Criteria: GeneDx Variant Classification Process June 2021. Collection method: clinical testing. Allele origin: germline. Affected: yes.

Laboratory for Molecular Medicine, Mass General Brigham Personalized Medicine
Classification: Benign. Last evaluated: 2016-03-29. Review status: criteria provided, single submitter. Criteria: LMM Criteria. Collection method: clinical testing. Allele origin: germline.
Comment: Variant identified in a genome or exome case(s) and assessed due to predicted null impact of the variant or pathogenic assertions in the literature or databases. Disclaimer: This variant has not undergone full assessment. The following are preliminary notes: Frequency

Breakthrough Genomics
Classification: Benign. Review status: criteria provided, single submitter. Criteria: ACMG Guidelines, 2015. Collection method: not provided. Allele origin: germline. Inheritance: Unknown mechanism. Affected: yes.

PreventionGenetics, part of Exact Sciences
Classification: Benign for SHROOM3-related condition. Last evaluated: 2019-03-18. Review status: no assertion criteria provided. Collection method: clinical testing. Allele origin: germline. Not counted in ClinVar's aggregate classification.
Comment: This variant is classified as benign based on ACMG/AMP sequence variant interpretation guidelines (Richards et al. 2015 PMID: 25741868, with internal and published modifications).

NM_020859.4(SHROOM3):c.2922G>A (p.Ser974=)

Genes: SHROOM3 (shroom family member 3; plus strand), SHROOM3-AS1 (SHROOM3 antisense RNA 1; minus strand). Cytogenetic location: 4q21.1.
Variant type: single nucleotide variant.
Coding change: c.2922G>A on transcript NM_020859.4 (MANE Select); coding-DNA position 2922, G replaced by A.
Protein change: p.Ser974=; no amino-acid change (serine 974 retained).
Molecular consequence: synonymous variant.
Genome position (GRCh38, 1-based): chr4:76,741,095, G>A. VCF-style: chr4-76741095-G-A. GRCh37 (hg19) VCF-style: chr4-77662248-G-A.
Identifiers: ClinVar variation 403440 (VCV000403440.9), dbSNP rs344142, ClinGen allele CA2972667.